The following is an entry in ClinVar:

NM_006493.4(CLN5):c.882dup (p.Phe295fs)

Gene: CLN5 (CLN5 lysosomal BMP synthase; plus strand). Cytogenetic location: 13q22.3.
Variant type: Duplication.
Coding change: c.882dup on transcript NM_006493.4 (MANE Select); coding-DNA position 882, one base duplicated (C; older notation c.882dupC).
Protein change: p.Phe295fs; shifts the reading frame from phenylalanine 295.
Molecular consequence: frameshift variant. On other transcripts: 3 prime UTR variant (1).
Genome position (GRCh38, 1-based): chr13:77,000,774, C duplicated; the last of 4 consecutive C bases (chr13:77,000,771-77,000,774); duplicating any one gives the same sequence. VCF-style (leftmost placement, unchanged base first): chr13-77000770-A-AC. GRCh37 (hg19) VCF-style: chr13-77574905-A-AC.
Other names: c.*331dup (NM_001366624.2); short protein forms F295fs.
Identifiers: ClinVar variation 2823779 (VCV002823779.3), dbSNP rs2501157103, ClinGen allele CA2739277687.

ClinVar aggregate classification (germline): Pathogenic (1 of 4 stars; one submission).

Conditions:
Neuronal ceroid lipofuscinosis. Also called: Neuronal Ceroid Lipofuscinoses. Identifiers: Orphanet 216, Orphanet 79263, MedGen C0027877, MONDO:0016295. Disease mechanism: loss of function.

Submission:

Labcorp Genetics (formerly Invitae), Labcorp
Classification: Pathogenic for Neuronal ceroid lipofuscinosis. Last evaluated: 2023-01-05. Review status: criteria provided, single submitter. Criteria: Invitae Variant Classification Sherloc (09022015). Collection method: clinical testing. Allele origin: germline.
Comment: This sequence change creates a premature translational stop signal (p.Phe344Leufs*8) in the CLN5 gene. While this is not anticipated to result in nonsense mediated decay, it is expected to disrupt the last 64 amino acid(s) of the CLN5 protein. This variant is not present in population databases (gnomAD no frequency). This variant has not been reported in the literature in individuals affected with CLN5-related conditions. This variant disrupts a region of the CLN5 protein in which other variant(s) (p.Tyr392*) have been determined to be pathogenic (PMID: 9662406, 11971870, 20052765, 24038957, 24058541). This suggests that this is a clinically significant region of the protein, and that variants that disrupt it are likely to be disease-causing. For these reasons, this variant has been classified as Pathogenic.

Literature cited by the submitters: PubMed 9662406; PubMed 11971870; PubMed 20052765; PubMed 24038957; PubMed 24058541.